The following is an entry in ClinVar:

ClinVar aggregate classification (germline): Uncertain significance (1 of 4 stars; one submission).

Conditions:
Congenital dyserythropoietic anemia, type II (CDAN2). Also called: DYSERYTHROPOIETIC ANEMIA, HEMPAS TYPE. Identifiers: Orphanet 98873, MedGen C1306589, MONDO:0009134, OMIM 224100.
Cowden syndrome 7 (CWS7). Identifiers: Orphanet 201, MedGen C4225179, MONDO:0014802, OMIM 616858.

Allele frequency attached by ClinVar (database versions not stated): TOPMed below 0.00001; gnomAD 0.00001.
gnomAD v4.1: 1 of 1,613,844 alleles (0.000062%); highest among the groups gnomAD compares: Admixed American, 0.0017%; no homozygotes.

Submission:

Labcorp Genetics (formerly Invitae), Labcorp
Classification: Uncertain significance for Congenital dyserythropoietic anemia, type II; Cowden syndrome 7. Last evaluated: 2022-04-18. Review status: criteria provided, single submitter. Criteria: Invitae Variant Classification Sherloc (09022015). Collection method: clinical testing. Allele origin: germline.
Comment: This sequence change replaces alanine, which is neutral and non-polar, with threonine, which is neutral and polar, at codon 502 of the SEC23B protein (p.Ala502Thr). This variant is not present in population databases (gnomAD no frequency). This variant has not been reported in the literature in individuals affected with SEC23B-related conditions. Algorithms developed to predict the effect of missense changes on protein structure and function are either unavailable or do not agree on the potential impact of this missense change (SIFT: "Deleterious"; PolyPhen-2: "Benign"; Align-GVGD: "Class C0"). In summary, the available evidence is currently insufficient to determine the role of this variant in disease. Therefore, it has been classified as a Variant of Uncertain Significance.

NM_006363.6(SEC23B):c.1504G>A (p.Ala502Thr)

Gene: SEC23B (SEC23 homolog B, COPII component; plus strand). Cytogenetic location: 20p11.23.
Variant type: single nucleotide variant.
Coding change: c.1504G>A on transcript NM_006363.6 (MANE Select); coding-DNA position 1504, G replaced by A.
Protein change: p.Ala502Thr; replaces alanine 502 with threonine.
Molecular consequence: missense variant.
Genome position (GRCh38, 1-based): chr20:18,542,395, G>A. VCF-style: chr20-18542395-G-A. GRCh37 (hg19) VCF-style: chr20-18523039-G-A.
Other names: c.1504G>A, p.Ala502Thr (NM_001172745.3, NM_032985.6, NM_032986.5); c.1450G>A, p.Ala484Thr (NM_001172746.3); short protein forms A484T, A502T.
Identifiers: ClinVar variation 2123956 (VCV002123956.1), dbSNP rs770111384, ClinGen allele CA408363909.